The following is an entry in ClinVar:

ClinVar aggregate classification (germline): Uncertain significance (1 of 4 stars; one submission).

Conditions:
Galactosylceramide beta-galactosidase deficiency. Also called: Leukodystrophy, Globoid Cell; Krabbe Disease; GALACTOCEREBROSIDASE DEFICIENCY; GALC DEFICIENCY; GLOBOID CELL LEUKOENCEPHALOPATHY. Identifiers: Orphanet 487, MedGen C0023521, MONDO:0009499, OMIM 245200.

gnomAD v4.1: 4 of 1,610,870 alleles (0.00025%); highest among the groups gnomAD compares: Non-Finnish European, 0.00034%; no homozygotes.

Submission:

Labcorp Genetics (formerly Invitae), Labcorp
Classification: Uncertain significance for Galactosylceramide beta-galactosidase deficiency. Last evaluated: 2024-05-11. Review status: criteria provided, single submitter. Criteria: Invitae Variant Classification Sherloc (09022015). Collection method: clinical testing. Allele origin: germline.
Comment: This sequence change replaces valine, which is neutral and non-polar, with aspartic acid, which is acidic and polar, at codon 622 of the GALC protein (p.Val622Asp). This variant is present in population databases (no rsID available, gnomAD 0.0009%). This variant has not been reported in the literature in individuals affected with GALC-related conditions. Advanced modeling of protein sequence and biophysical properties (such as structural, functional, and spatial information, amino acid conservation, physicochemical variation, residue mobility, and thermodynamic stability) has been performed at Invitae for this missense variant, however the output from this modeling did not meet the statistical confidence thresholds required to predict the impact of this variant on GALC protein function. In summary, the available evidence is currently insufficient to determine the role of this variant in disease. Therefore, it has been classified as a Variant of Uncertain Significance.

NM_000153.4(GALC):c.1865T>A (p.Val622Asp)

Gene: GALC (galactosylceramidase; minus strand). Cytogenetic location: 14q31.3.
Variant type: single nucleotide variant.
Coding change: c.1865T>A on transcript NM_000153.4 (MANE Select); coding-DNA position 1865, T replaced by A.
Protein change: p.Val622Asp; replaces valine 622 with aspartic acid.
Molecular consequence: missense variant. On other transcripts: non-coding transcript variant (1).
Genome position (GRCh38, 1-based): chr14:87,939,951, A>T on the plus strand (T>A on the coding strand, the complement: GALC is on the minus strand). VCF-style: chr14-87939951-A-T. GRCh37 (hg19) VCF-style: chr14-88406295-A-T.
Other names: c.1796T>A, p.Val599Asp (NM_001201401.2); c.1787T>A, p.Val596Asp (NM_001201402.2); c.1697T>A, p.Val566Asp (NM_001424071.1, NM_001424072.1, NM_001424073.1); c.1517T>A, p.Val506Asp (NM_001424074.1, NM_001424075.1); c.1232T>A, p.Val411Asp (NM_001424076.1, NM_001424077.1); short protein forms V566D, V411D, V622D, V506D, V596D, V599D.
Identifiers: ClinVar variation 3709024 (VCV003709024.2).
Genomic context (GRCh38, chr14:87,939,951, plus strand): 5'-TCAGCAATACTTACCTTAATAGTTAACGTGAGTGTATACCATTTTTTTGCTGTAACTTCA[A>T]CACGTCCTAAAGCATATATAATCCATCCAGCTGTAACACAAAAATATTATCCCAATAGAT-3'
Protein context (NP_000144.2, residues 612-632): AGWIIYALGR[Val622Asp]EVTAKKWYTL